The following is an entry in ClinVar:

ClinVar aggregate classification (germline): Uncertain significance. Review status: reviewed by expert panel (3 of 4 stars). 5 submissions from 5 submitters: Uncertain significance (1). 4 of the submissions do not count toward it. Last evaluated 2025-08-01.

Conditions:
Malignant hyperthermia, susceptibility to, 1 (MHS1). Also called: RYR1-Related Malignant Hyperthermia Susceptibility; Malignant hyperthermia suceptibility 1; Anesthesia related hyperthermia; Malignant hyperpyrexia; Fulminating hyperpyrexia; Pharmacogenic myopathy. Identifiers: Orphanet 423, MedGen C2930980, MONDO:0007783, OMIM 145600.
RYR1-related disorder. Also called: RYR1-related disorders; RYR1-related condition. Identifiers: MedGen CN239331.

Allele frequency attached by ClinVar (database versions not stated): gnomAD exomes 0.00001 and below 0.00001; ExAC 0.00001; gnomAD 0.00001; TOPMed 0.00002.
gnomAD v4.1: 7 of 1,600,018 alleles (0.00044%); highest among the groups gnomAD compares: Admixed American, 0.0033%; no homozygotes.

Submissions (5):

ClinGen Malignant Hyperthermia Susceptibility Variant Curation Expert Panel, ClinGen
Classification: Uncertain significance for Malignant hyperthermia, susceptibility to, 1. Last evaluated: 2025-08-01. Review status: reviewed by expert panel. Criteria: ClinGen MHS ACMG Specifications V2. Collection method: curation. Allele origin: germline. Inheritance: Autosomal dominant inheritance. Study: ClinGen.
Comment: This pathogenicity assessment is relevant only for malignant hyperthermia susceptibility (MHS) inherited in an autosomal dominant pattern. Variants in RYR1 can also cause other myopathies inherited in an autosomal dominant pattern or in an autosomal recessive pattern. Some of these disorders may predispose individuals to malignant hyperthermia. RYR1 variants may also contribute to a malignant hyperthermia reaction in combination with other genetic and non-genetic factors and the clinician needs to consider such factors in making management decisions. This sequence variant predicts a substitution of arginine with tryptophan at codon 2359 of the RYR1 protein, p.(Arg2359Trp). The maximum allele frequency for this variant among the six major gnomAD populations is AMR: 0.00003, a frequency consistent with pathogenicity for MHS. This variant has been reported in a mutation report without clinical details and this does not satisfy PS4 (PMID:16521288). No functional studies were identified for this variant. Another variant assessed as likely pathogenic occurs at this codon, p.(Arg2359Gln), PM5_Supporting. This variant resides in a region of RYR1 considered to be a hotspot for pathogenic variants that contribute to MHS, use PM1_Supporting to avoid overweighting with PM5 (PMID: 21118704). A REVEL score >0.85 (0.93) supports a pathogenic status for this variant, PP3_Moderate. This variant has been classified as a Variant of Unknown Significance. Criteria implemented: PM1_Supporting, PM5_Supporting, PP3_Moderate.

GeneDx
Classification: Uncertain significance. Last evaluated: 2026-09-01. Review status: criteria provided, single submitter. Criteria: GeneDx Variant Classification Process June 2021. Collection method: clinical testing. Allele origin: germline. Not counted in ClinVar's aggregate classification.
Comment: Not observed at significant frequency in large population cohorts (gnomAD); In silico analysis supports that this missense variant has a deleterious effect on protein structure/function; Has not been previously published as pathogenic or benign to our knowledge; This variant is associated with the following publications: (PMID: 16521286, 16084090, 30236257, 12668474, 33767344)

PreventionGenetics, part of Exact Sciences
Classification: Uncertain significance for RYR1-related condition. Last evaluated: 2026-08-18. Review status: criteria provided, single submitter. Criteria: ACMG Guidelines, 2015. Collection method: clinical testing. Allele origin: germline. Not counted in ClinVar's aggregate classification.
Comment: The RYR1 c.7075C>T variant is predicted to result in the amino acid substitution p.Arg2359Trp. To our knowledge, this variant has not been reported in the literature. An alternate missense change at this position (c.7076G>A; Arg2359Gln) has been reported in individuals that had malignant hyperthermia (MH) (Klingler et al. 2014. PubMed ID: 24433488; Table S1 - Miller et al. 2018. PubMed ID: 30236257) and the MH expert ClinGen curation panel has interpreted this variant as likely pathogenic in relation to autosomal dominant MH (ClinVar ID: 573252). The p.Arg2359Trp variant is reported in 0.0029% of alleles in individuals of Latino descent in gnomAD and is interpreted as uncertain by the MH expert ClinGen curation panel (ClinVar ID: 449521). Although we suspect that this variant may be pathogenic, at this time, the clinical significance of this variant is uncertain due to the absence of conclusive functional and genetic evidence.

All of Us Research Program, National Institutes of Health
Classification: Uncertain significance for Malignant hyperthermia, susceptibility to, 1. Last evaluated: 2024-09-23. Review status: criteria provided, single submitter. Criteria: ACMG Guidelines, 2015. Collection method: clinical testing. Allele origin: germline. Inheritance: Autosomal dominant inheritance. Observed: 2 variant alleles, 2 heterozygotes. Not counted in ClinVar's aggregate classification.
Comment: This study involves interpretation of variants in research participants for the purpose of population health screening. Participant phenotype was not available at the time of variant classification. Additional details can be found in publication PMID: 35346344, PMCID: PMC8962531

Labcorp Genetics (formerly Invitae), Labcorp
Classification: Uncertain significance for RYR1-related disorder. Last evaluated: 2021-08-31. Review status: criteria provided, single submitter. Criteria: Invitae Variant Classification Sherloc (09022015). Collection method: clinical testing. Allele origin: germline. Not counted in ClinVar's aggregate classification.
Comment: This sequence change replaces arginine with tryptophan at codon 2359 of the RYR1 protein (p.Arg2359Trp). The arginine residue is highly conserved and there is a moderate physicochemical difference between arginine and tryptophan. This variant is present in population databases (rs769482889, ExAC 0.002%). This variant has not been reported in the literature in individuals affected with RYR1-related conditions. ClinVar contains an entry for this variant (Variation ID: 449521). Algorithms developed to predict the effect of missense changes on protein structure and function are either unavailable or do not agree on the potential impact of this missense change (SIFT: "Deleterious"; PolyPhen-2: "Possibly Damaging"; Align-GVGD: "Class C0"). In summary, the available evidence is currently insufficient to determine the role of this variant in disease. Therefore, it has been classified as a Variant of Uncertain Significance.

NM_000540.3(RYR1):c.7075C>T (p.Arg2359Trp)

Gene: RYR1 (ryanodine receptor 1; plus strand). Cytogenetic location: 19q13.2.
Variant type: single nucleotide variant.
Coding change: c.7075C>T on transcript NM_000540.3 (MANE Select); coding-DNA position 7075, C replaced by T.
Protein change: p.Arg2359Trp; replaces arginine 2359 with tryptophan.
Molecular consequence: missense variant.
Genome position (GRCh38, 1-based): chr19:38,499,682, C>T. VCF-style: chr19-38499682-C-T. GRCh37 (hg19) VCF-style: chr19-38990322-C-T.
Other names: NM_000540.2(RYR1):c.7075C>T; p.Arg2359Trp; c.7075C>T, p.Arg2359Trp (NM_001042723.2); short protein forms R2359W.
Identifiers: ClinVar variation 449521 (VCV000449521.19), dbSNP rs769482889, ClinGen allele CA069103.